The following is an entry in ClinVar:

NM_144670.6(A2ML1):c.2063T>C (p.Ile688Thr)

Gene: A2ML1 (alpha-2-macroglobulin like 1; plus strand). Cytogenetic location: 12p13.31.
Variant type: single nucleotide variant.
Coding change: c.2063T>C on transcript NM_144670.6 (MANE Select); coding-DNA position 2063, T replaced by C.
Protein change: p.Ile688Thr; replaces isoleucine 688 with threonine.
Molecular consequence: missense variant.
Genome position (GRCh38, 1-based): chr12:8,849,703, T>C. VCF-style: chr12-8849703-T-C. GRCh37 (hg19) VCF-style: chr12-9002299-T-C.
Other names: c.590T>C, p.Ile197Thr (NM_001282424.3); short protein forms I688T, I197T.
Identifiers: ClinVar variation 2918479 (VCV002918479.3), dbSNP rs763697399, ClinGen allele CA6435891.

ClinVar aggregate classification (germline): Uncertain significance (1 of 4 stars; one submission).

Allele frequency attached by ClinVar (database versions not stated): gnomAD exomes below 0.00001; ExAC 0.00001; gnomAD 0.00001; TOPMed 0.00002.

Submission:

Labcorp Genetics (formerly Invitae), Labcorp
Classification: Uncertain significance. Last evaluated: 2023-10-16. Review status: criteria provided, single submitter. Criteria: Invitae Variant Classification Sherloc (09022015). Collection method: clinical testing. Allele origin: germline.
Comment: This sequence change replaces isoleucine, which is neutral and non-polar, with threonine, which is neutral and polar, at codon 688 of the A2ML1 protein (p.Ile688Thr). This variant is present in population databases (rs763697399, gnomAD 0.01%). This variant has not been reported in the literature in individuals affected with A2ML1-related conditions. An algorithm developed to predict the effect of missense changes on protein structure and function (PolyPhen-2) suggests that this variant is likely to be tolerated. In summary, the available evidence is currently insufficient to determine the role of this variant in disease. Therefore, it has been classified as a Variant of Uncertain Significance.